The following is an entry in ClinVar:

ClinVar aggregate classification (germline): Pathogenic (1 of 4 stars; one submission).

Conditions:
Parathyroid carcinoma (PRTC). Also called: Parathyroid gland carcinoma; CDC73-Related Parathyroid Carcinoma. Identifiers: Orphanet 143, MedGen C0687150, MONDO:0012004, OMIM 608266, HP:0006780.

Submission:

Labcorp Genetics (formerly Invitae), Labcorp
Classification: Pathogenic for Parathyroid carcinoma. Last evaluated: 2019-05-06. Review status: criteria provided, single submitter. Criteria: Invitae Variant Classification Sherloc (09022015). Collection method: clinical testing. Allele origin: germline.
Comment: This variant is an out-of-frame deletion of the genomic region encompassing exons 2-3 of the CDC73 gene. This is expected to create a premature translational stop signal and result in an absent or disrupted protein product. A similar deletion of exons 2-3 has been observed in an individual affected with primary hyperparathyroidism (PMID: 23293331). Loss-of-function variants in CDC73 are known to be pathogenic (PMID: 12434154). For these reasons, this variant has been classified as Pathogenic.

Literature cited by the submitters: PubMed 23293331; PubMed 12434154.

NC_000001.11:g.(?_193125102)_(193130253_?)del

Gene: CDC73 (cell division cycle 73; plus strand). Cytogenetic location: 1q31.2.
Variant type: Deletion.
Identifiers: ClinVar variation 831107 (VCV000831107.3).